The following is an entry in ClinVar:

NM_052867.4(NALCN):c.3673G>T (p.Val1225Leu)

Gene: NALCN (sodium leak channel, non-selective; minus strand). Cytogenetic location: 13q32.3.
Variant type: single nucleotide variant.
Coding change: c.3673G>T on transcript NM_052867.4 (MANE Select); coding-DNA position 3673, G replaced by T.
Protein change: p.Val1225Leu; replaces valine 1225 with leucine.
Molecular consequence: missense variant.
Genome position (GRCh38, 1-based): chr13:101,083,109, C>A on the plus strand (G>T on the coding strand, the complement: NALCN is on the minus strand). VCF-style: chr13-101083109-C-A. GRCh37 (hg19) VCF-style: chr13-101735460-C-A.
Other names: c.3760G>T, p.Val1254Leu (NM_001350748.2); c.3673G>T, p.Val1225Leu (NM_001350749.2); c.3586G>T, p.Val1196Leu (NM_001350750.2, NM_001350751.2); short protein forms V1225L, V1196L, V1254L.
Identifiers: ClinVar variation 3688317 (VCV003688317.2).

ClinVar aggregate classification (germline): Uncertain significance (1 of 4 stars; one submission).

Submission:

Labcorp Genetics (formerly Invitae), Labcorp
Classification: Uncertain significance. Last evaluated: 2024-02-07. Review status: criteria provided, single submitter. Criteria: Invitae Variant Classification Sherloc (09022015). Collection method: clinical testing. Allele origin: germline.
Comment: This sequence change replaces valine, which is neutral and non-polar, with leucine, which is neutral and non-polar, at codon 1225 of the NALCN protein (p.Val1225Leu). This variant is not present in population databases (gnomAD no frequency). This variant has not been reported in the literature in individuals affected with NALCN-related conditions. Advanced modeling of protein sequence and biophysical properties (such as structural, functional, and spatial information, amino acid conservation, physicochemical variation, residue mobility, and thermodynamic stability) performed at Invitae indicates that this missense variant is not expected to disrupt NALCN protein function with a negative predictive value of 80%. In summary, the available evidence is currently insufficient to determine the role of this variant in disease. Therefore, it has been classified as a Variant of Uncertain Significance.